The following is an entry in ClinVar:

NM_014874.4(MFN2):c.880C>T (p.Arg294Ter)

Gene: MFN2 (mitofusin 2; plus strand). Cytogenetic location: 1p36.22.
Variant type: single nucleotide variant.
Coding change: c.880C>T on transcript NM_014874.4 (MANE Select); coding-DNA position 880, C replaced by T.
Protein change: p.Arg294Ter; replaces arginine 294 with a stop codon.
Molecular consequence: nonsense.
Genome position (GRCh38, 1-based): chr1:12,001,464, C>T. VCF-style: chr1-12001464-C-T. GRCh37 (hg19) VCF-style: chr1-12061521-C-T.
Other names: c.880C>T, p.Arg294Ter (NM_001127660.2); short protein forms R294*.
Identifiers: ClinVar variation 857318 (VCV000857318.10), dbSNP rs866604005, ClinGen allele CA18010000.
Genomic context (GRCh38, chr1:12,001,464, plus strand): 5'-CGGCGGCAGCACATGGAGCGTTGTACCAGCTTCCTGGTGGATGAGCTGGGCGTGGTGGAT[C>T]GATCCCAGGCCGGGGACCGCATCTTCTTTGTGTCTGCTAAGGAGGTGCTCAACGCCAGGA-3'

ClinVar aggregate classification (germline): Pathogenic/Likely pathogenic. Review status: criteria provided, multiple submitters, no conflicts (2 of 4 stars). 3 submissions from 3 submitters: Pathogenic (2); Likely pathogenic (1). Last evaluated 2026-04-01.

Conditions:
Charcot-Marie-Tooth disease type 2A2. Also called: Charcot-Marie-Tooth Neuropathy Type 2A2; CHARCOT-MARIE-TOOTH DISEASE, AXONAL, TYPE 2A2; CHARCOT-MARIE-TOOTH DISEASE, AXONAL, AUTOSOMAL DOMINANT, TYPE 2A2A; CHARCOT-MARIE-TOOTH DISEASE, NEURONAL, TYPE 2A2; HEREDITARY MOTOR AND SENSORY NEUROPATHY IIA2; HMSN IIA2. Identifiers: Orphanet 99947, MedGen C4721887, MONDO:0012231, OMIM 609260.
Charcot-Marie-Tooth disease type 2. Also called: Charcot-Marie-Tooth type 2. Identifiers: Orphanet 64746, MedGen C0270914, MONDO:0018993.

Allele frequency attached by ClinVar (database versions not stated): gnomAD exomes below 0.00001.
gnomAD v4.1: 3 of 1,613,996 alleles (0.00019%); highest among the groups gnomAD compares: Non-Finnish European, 0.00025%; no homozygotes.

Submissions (3):

CeGaT Center for Human Genetics Tuebingen
Classification: Pathogenic. Last evaluated: 2026-04-01. Review status: criteria provided, single submitter. Criteria: CeGaT Center For Human Genetics Tuebingen Variant Classification Criteria Version 2. Collection method: clinical testing. Allele origin: germline. Affected: yes. Observed: 1 variant allele.
Comment: MFN2: PVS1, PM2

Labcorp Genetics (formerly Invitae), Labcorp
Classification: Pathogenic for Charcot-Marie-Tooth disease type 2. Last evaluated: 2023-06-30. Review status: criteria provided, single submitter. Criteria: Invitae Variant Classification Sherloc (09022015). Collection method: clinical testing. Allele origin: germline.
Comment: For these reasons, this variant has been classified as Pathogenic. ClinVar contains an entry for this variant (Variation ID: 857318). This premature translational stop signal has been observed in individual(s) with inherited peripheral neuropathy (PMID: 27549087). This variant is not present in population databases (gnomAD no frequency). This sequence change creates a premature translational stop signal (p.Arg294*) in the MFN2 gene. It is expected to result in an absent or disrupted protein product. Loss-of-function variants in MFN2 are known to be pathogenic (PMID: 16714318, 16835246, 21715711, 23781337, 26955893).

MGZ Medical Genetics Center
Classification: Likely pathogenic for Charcot-Marie-Tooth disease type 2A2. Last evaluated: 2021-09-29. Review status: criteria provided, single submitter. Criteria: ACMG Guidelines, 2015. Collection method: clinical testing. Allele origin: germline. Affected: yes. Observed: 1 variant allele.
Comment: ACMG criteria applied: PVS1, PM2_SUP

Literature cited by the submitters: PubMed 27549087 (cited by Labcorp Genetics (formerly Invitae), Labcorp); PubMed 16714318 (cited by Labcorp Genetics (formerly Invitae), Labcorp); PubMed 16835246 (cited by Labcorp Genetics (formerly Invitae), Labcorp); PubMed 21715711 (cited by Labcorp Genetics (formerly Invitae), Labcorp); PubMed 23781337 (cited by Labcorp Genetics (formerly Invitae), Labcorp); PubMed 26955893 (cited by Labcorp Genetics (formerly Invitae), Labcorp).